The following is an entry in ClinVar:

ClinVar aggregate classification (germline): Likely pathogenic. Review status: criteria provided, multiple submitters, no conflicts (2 of 4 stars). 2 submissions from 2 submitters: Likely pathogenic (2). Last evaluated 2025-10-22.

Conditions:
COA8-related disorder. Also called: COA8-related condition.

Submissions (2):

GeneDx
Classification: Likely pathogenic. Last evaluated: 2025-10-22. Review status: criteria provided, single submitter. Criteria: GeneDx Variant Classification Process June 2021. Collection method: clinical testing. Allele origin: germline.
Comment: Nonsense variant predicted to result in protein truncation or nonsense mediated decay in a gene for which loss of function is a known mechanism of disease; Not observed at significant frequency in large population cohorts (gnomAD); Has not been previously published as pathogenic or benign to our knowledge

PreventionGenetics, part of Exact Sciences
Classification: Likely pathogenic for COA8-related condition. Last evaluated: 2025-10-16. Review status: criteria provided, single submitter. Criteria: ACMG Guidelines, 2015. Collection method: clinical testing. Allele origin: germline.
Comment: The COA8 c.366_367insT variant is predicted to result in premature protein termination (p.Glu123*). To our knowledge, this variant has not been reported in the literature or in a large population database (gnomAD), indicating this variant is rare. Nonsense variants in COA8 are expected to be pathogenic. This variant is interpreted as likely pathogenic.

NM_001370595.2(COA8):c.327_328insT (p.Glu110Ter)

Gene: COA8 (cytochrome c oxidase assembly factor 8; plus strand). Cytogenetic location: 14q32.33.
Variant type: Insertion.
Coding change: c.327_328insT on transcript NM_001370595.2 (MANE Select); coding-DNA positions 327 to 328, T inserted.
Protein change: p.Glu110Ter; replaces glutamic acid 110 with a stop codon.
Molecular consequence: nonsense. On other transcripts: non-coding transcript variant (1).
Genome position: GRCh38 VCF-style: chr14-103574112-A-AT. GRCh37 (hg19) VCF-style: chr14-104040449-A-AT.
Other names: c.327_328insT, p.Glu110Ter (NM_001302653.2, NM_001302654.2); c.366_367insT (NM_032374.4); short protein forms E110*.
Identifiers: ClinVar variation 3776346 (VCV003776346.3).